The following is an entry in ClinVar:

NM_001199107.2(TBC1D24):c.1104G>T (p.Leu368=)

Gene: TBC1D24 (TBC1 domain family member 24; plus strand). Cytogenetic location: 16p13.3.
Variant type: single nucleotide variant.
Coding change: c.1104G>T on transcript NM_001199107.2 (MANE Select); coding-DNA position 1104, G replaced by T.
Protein change: p.Leu368=; no amino-acid change (leucine 368 retained).
Molecular consequence: synonymous variant.
Genome position (GRCh38, 1-based): chr16:2,498,358, G>T. VCF-style: chr16-2498358-G-T. GRCh37 (hg19) VCF-style: chr16-2548359-G-T.
Other names: c.1086G>T, p.Leu362= (NM_020705.3).
Identifiers: ClinVar variation 2947819 (VCV002947819.3), dbSNP rs2505520606, ClinGen allele CA493162442.

ClinVar aggregate classification (germline): Uncertain significance (1 of 4 stars; one submission).

Conditions:
Autosomal dominant nonsyndromic hearing loss 65. Also called: Deafness, autosomal dominant 65; TBC1D24-Related Autosomal Dominant Nonsyndromic Hearing Loss (DFNA). Identifiers: Orphanet 90635, MedGen C3892048, MONDO:0014470, OMIM 616044.
Developmental and epileptic encephalopathy, 1 (DEE1). Also called: INFANTILE SPASM SYNDROME, X-LINKED 1; X-linked infantile spasms; West's syndrome; Tonic spasms with clustering, arrest of psychomotor development and hypsarrhythmia on EEG; X-Linked Infantile Spasm Syndrome; OHTAHARA SYNDROME, X-LINKED. Identifiers: MedGen C3463992, MONDO:0010632, OMIM 308350. Disease mechanism: loss of function.

Allele frequency attached by ClinVar (database versions not stated): gnomAD exomes below 0.00001.
gnomAD v4.1: 1 of 1,609,670 alleles (0.000062%); highest among the groups gnomAD compares: African/African-American, 0.0013%; no homozygotes.

Submission:

Labcorp Genetics (formerly Invitae), Labcorp
Classification: Uncertain significance for Developmental and epileptic encephalopathy, 1; Autosomal dominant nonsyndromic hearing loss 65. Last evaluated: 2023-05-16. Review status: criteria provided, single submitter. Criteria: Invitae Variant Classification Sherloc (09022015). Collection method: clinical testing. Allele origin: germline.
Comment: In summary, the available evidence is currently insufficient to determine the role of this variant in disease. Therefore, it has been classified as a Variant of Uncertain Significance. Algorithms developed to predict the effect of sequence changes on RNA splicing suggest that this variant may create or strengthen a splice site. This variant has not been reported in the literature in individuals affected with TBC1D24-related conditions. This variant is not present in population databases (gnomAD no frequency). This sequence change affects codon 368 of the TBC1D24 mRNA. It is a 'silent' change, meaning that it does not change the encoded amino acid sequence of the TBC1D24 protein.